The following is an entry in ClinVar:

NM_005655.4(KLF10):c.1042C>G (p.Pro348Ala)

Gene: KLF10 (KLF transcription factor 10; minus strand). Cytogenetic location: 8q22.3.
Variant type: single nucleotide variant.
Coding change: c.1042C>G on transcript NM_005655.4 (MANE Select); coding-DNA position 1042, C replaced by G.
Protein change: p.Pro348Ala; replaces proline 348 with alanine.
Molecular consequence: missense variant.
Genome position (GRCh38, 1-based): chr8:102,651,290, G>C on the plus strand (C>G on the coding strand, the complement: KLF10 is on the minus strand). VCF-style: chr8-102651290-G-C. GRCh37 (hg19) VCF-style: chr8-103663518-G-C.
Other names: c.1009C>G, p.Pro337Ala (NM_001032282.4); short protein forms P337A, P348A.
Identifiers: ClinVar variation 1483554 (VCV001483554.6), dbSNP rs2131078830, ClinGen allele CA371624254.
Genomic context (GRCh38, chr8:102,651,290, plus strand): 5'-TCCTTATCCTTGATGAATCAATCTGAGGAGTGACTTTTGCTGCTGAAGGGGAAAACCCAG[G>C]AGCAGGGGCAATGGGAGAGAGTCTGGTGCCATTCGGGCTCACCACCGGAGGCTTTGAACT-3'
Protein context (NP_005646.1, residues 338-358): GTRLSPIAPA[Pro348Ala]GFSPSAAKVT

ClinVar aggregate classification (germline): Uncertain significance (1 of 4 stars; one submission).

Submission:

Labcorp Genetics (formerly Invitae), Labcorp
Classification: Uncertain significance. Last evaluated: 2021-08-18. Review status: criteria provided, single submitter. Criteria: Invitae Variant Classification Sherloc (09022015). Collection method: clinical testing. Allele origin: germline.
Comment: In summary, the available evidence is currently insufficient to determine the role of this variant in disease. Therefore, it has been classified as a Variant of Uncertain Significance. Algorithms developed to predict the effect of missense changes on protein structure and function (SIFT, PolyPhen-2, Align-GVGD) all suggest that this variant is likely to be disruptive. This variant has not been reported in the literature in individuals affected with KLF10-related conditions. This variant is not present in population databases (ExAC no frequency). This sequence change replaces proline with alanine at codon 348 of the KLF10 protein (p.Pro348Ala). The proline residue is highly conserved and there is a small physicochemical difference between proline and alanine.